The following is an entry in ClinVar:

NM_003242.6(TGFBR2):c.1016G>A (p.Arg339Gln)

Gene: TGFBR2 (transforming growth factor beta receptor 2; plus strand). Cytogenetic location: 3p24.1.
Variant type: single nucleotide variant.
Coding change: c.1016G>A on transcript NM_003242.6 (MANE Select); coding-DNA position 1016, G replaced by A.
Protein change: p.Arg339Gln; replaces arginine 339 with glutamine.
Molecular consequence: missense variant.
Genome position (GRCh38, 1-based): chr3:30,672,199, G>A. VCF-style: chr3-30672199-G-A. GRCh37 (hg19) VCF-style: chr3-30713691-G-A.
Other names: c.1091G>A, p.Arg364Gln (NM_001024847.3); c.1199G>A, p.Arg400Gln (NM_001407126.1); c.1124G>A, p.Arg375Gln (NM_001407127.1); c.1043G>A, p.Arg348Gln (NM_001407128.1); c.1019G>A, p.Arg340Gln (NM_001407129.1); c.1016G>A, p.Arg339Gln (NM_001407130.1); c.911G>A, p.Arg304Gln (NM_001407132.1, NM_001407133.1, NM_001407134.1 and 2 more transcripts); c.731G>A, p.Arg244Gln (NM_001407137.1); and 1 more; short protein forms R339Q, R364Q, R244Q, R304Q, R375Q, R348Q, R219Q, R340Q.
Identifiers: ClinVar variation 213919 (VCV000213919.9), dbSNP rs727503473, ClinGen allele CA045405.

ClinVar aggregate classification (germline): Uncertain significance. Review status: criteria provided, multiple submitters, no conflicts (2 of 4 stars). 3 submissions from 3 submitters: Uncertain significance (3). Last evaluated 2023-06-26.

Conditions:
Familial thoracic aortic aneurysm and aortic dissection (TAAD). Also called: Thoracic aortic aneurysms and dissections. Identifiers: Orphanet 91387, MedGen C4707243, MONDO:0019625.

Allele frequency attached by ClinVar (database versions not stated): gnomAD 0.00001; ExAC 0.00002; TOPMed 0.00002.
gnomAD v4.1: 20 of 1,612,006 alleles (0.0012%); highest among the groups gnomAD compares: African/African-American, 0.0053%; no homozygotes.

Submissions (3):

Blueprint Genetics
Classification: Uncertain significance. Last evaluated: 2023-06-26. Review status: criteria provided, single submitter. Criteria: ACMG Guidelines, 2015. Collection method: clinical testing. Allele origin: germline.

Labcorp Genetics (formerly Invitae), Labcorp
Classification: Uncertain significance for Familial thoracic aortic aneurysm and aortic dissection. Last evaluated: 2023-02-11. Review status: criteria provided, single submitter. Criteria: Invitae Variant Classification Sherloc (09022015). Collection method: clinical testing. Allele origin: germline.
Comment: This sequence change replaces arginine, which is basic and polar, with glutamine, which is neutral and polar, at codon 339 of the TGFBR2 protein (p.Arg339Gln). This variant is present in population databases (rs727503473, gnomAD 0.007%). This variant has not been reported in the literature in individuals affected with TGFBR2-related conditions. ClinVar contains an entry for this variant (Variation ID: 213919). Advanced modeling of protein sequence and biophysical properties (such as structural, functional, and spatial information, amino acid conservation, physicochemical variation, residue mobility, and thermodynamic stability) performed at Invitae indicates that this missense variant is not expected to disrupt TGFBR2 protein function. In summary, the available evidence is currently insufficient to determine the role of this variant in disease. Therefore, it has been classified as a Variant of Uncertain Significance.

Color Diagnostics, LLC DBA Color Health
Classification: Uncertain significance for Familial thoracic aortic aneurysm and aortic dissection. Last evaluated: 2022-08-22. Review status: criteria provided, single submitter. Criteria: ACMG Guidelines, 2015. Collection method: clinical testing. Allele origin: germline.
Comment: This missense variant replaces arginine with glutamine at codon 339 of the TGFBR2 protein. Computational prediction suggests that this variant may not impact protein structure and function (internally defined REVEL score threshold <= 0.5, PMID: 27666373). To our knowledge, functional studies have not been reported for this variant. This variant has not been reported in individuals affected with cardiovascular disorders in the literature. This variant has been identified in 2/250830 chromosomes in the general population by the Genome Aggregation Database (gnomAD). The available evidence is insufficient to determine the role of this variant in disease conclusively. Therefore, this variant is classified as a Variant of Uncertain Significance.